The following is an entry in ClinVar:

ClinVar aggregate classification (germline): Uncertain significance (1 of 4 stars; one submission).

Allele frequency attached by ClinVar (database versions not stated): gnomAD exomes below 0.00001 and 0.00001; gnomAD 0.00001.
gnomAD v4.1: 6 of 1,613,956 alleles (0.00037%); highest among the groups gnomAD compares: Non-Finnish European, 0.00051%; no homozygotes.

Submission:

Labcorp Genetics (formerly Invitae), Labcorp
Classification: Uncertain significance. Last evaluated: 2022-08-16. Review status: criteria provided, single submitter. Criteria: Invitae Variant Classification Sherloc (09022015). Collection method: clinical testing. Allele origin: germline.
Comment: In summary, the available evidence is currently insufficient to determine the role of this variant in disease. Therefore, it has been classified as a Variant of Uncertain Significance. Algorithms developed to predict the effect of missense changes on protein structure and function are either unavailable or do not agree on the potential impact of this missense change (SIFT: "Deleterious"; PolyPhen-2: "Possibly Damaging"; Align-GVGD: "Class C0"). ClinVar contains an entry for this variant (Variation ID: 1372564). This variant has not been reported in the literature in individuals affected with GPR179-related conditions. This variant is present in population databases (no rsID available, gnomAD 0.0009%). This sequence change replaces glutamic acid, which is acidic and polar, with lysine, which is basic and polar, at codon 645 of the GPR179 protein (p.Glu645Lys).

NM_001004334.4(GPR179):c.1933G>A (p.Glu645Lys)

Gene: GPR179 (G protein-coupled receptor 179; minus strand). Cytogenetic location: 17q12.
Variant type: single nucleotide variant.
Coding change: c.1933G>A on transcript NM_001004334.4 (MANE Select); coding-DNA position 1933, G replaced by A.
Protein change: p.Glu645Lys; replaces glutamic acid 645 with lysine.
Molecular consequence: missense variant.
Genome position (GRCh38, 1-based): chr17:38,333,355, C>T on the plus strand (G>A on the coding strand, the complement: GPR179 is on the minus strand). VCF-style: chr17-38333355-C-T. GRCh37 (hg19) VCF-style: chr17-36489238-C-T.
Other names: short protein forms E645K.
Identifiers: ClinVar variation 1372564 (VCV001372564.6), dbSNP rs1036521410, ClinGen allele CA290106867.
Genomic context (GRCh38, chr17:38,333,355, plus strand): 5'-CGATGCTGCTGCCAAGGTAGGAGCCTGAGTGCTGCAGGTCCAGCTCGTCCTCACACACCT[C>T]ATCCACCATCTCCTCCCGGGGAGGAGCCCCCAGCTTCCAGAACTGGCAGGGGTGCATAAG-3'
Protein context (NP_001004334.3, residues 635-655): GAPPREEMVD[Glu645Lys]VCEDELDLQH